The following is an entry in ClinVar:

NM_080680.3(COL11A2):c.5044G>A (p.Val1682Ile)

Gene: COL11A2 (collagen type XI alpha 2 chain; minus strand). Cytogenetic location: 6p21.32.
Variant type: single nucleotide variant.
Coding change: c.5044G>A on transcript NM_080680.3 (MANE Select); coding-DNA position 5044, G replaced by A.
Protein change: p.Val1682Ile; replaces valine 1682 with isoleucine.
Molecular consequence: missense variant.
Genome position (GRCh38, 1-based): chr6:33,164,293, C>T on the plus strand (G>A on the coding strand, the complement: COL11A2 is on the minus strand). VCF-style: chr6-33164293-C-T. GRCh37 (hg19) VCF-style: chr6-33132070-C-T.
Other names: c.4723G>A, p.Val1575Ile (NM_080679.3); c.4786G>A, p.Val1596Ile (NM_080681.3); c.5044G>A (NM_080680.2); short protein forms V1575I, V1682I, V1596I.
Identifiers: ClinVar variation 1942060 (VCV001942060.6), dbSNP rs778248464, ClinGen allele CA3749933.

ClinVar aggregate classification (germline): Conflicting classifications of pathogenicity. Review status: criteria provided, conflicting classifications (1 of 4 stars). 2 submissions from 2 submitters: Uncertain significance (1); Likely benign (1). Last evaluated 2023-11-27.

Allele frequency attached by ClinVar (database versions not stated): ExAC 0.00001; TOPMed 0.00003.
gnomAD v4.1: 3 of 1,612,868 alleles (0.00019%); highest among the groups gnomAD compares: African/African-American, 0.004%; no homozygotes.

Submissions (2):

GeneDx
Classification: Uncertain significance. Last evaluated: 2023-11-27. Review status: criteria provided, single submitter. Criteria: GeneDx Variant Classification Process June 2021. Collection method: clinical testing. Allele origin: germline. Affected: yes.
Comment: Not observed at significant frequency in large population cohorts (gnomAD); In silico analysis supports that this missense variant does not alter protein structure/function; Has not been previously published as pathogenic or benign to our knowledge

Labcorp Genetics (formerly Invitae), Labcorp
Classification: Likely benign. Last evaluated: 2023-08-11. Review status: criteria provided, single submitter. Criteria: Invitae Variant Classification Sherloc (09022015). Collection method: clinical testing. Allele origin: germline.